The following is an entry in ClinVar:

ClinVar aggregate classification (germline): Pathogenic (1 of 4 stars; one submission).

Conditions:
Fanconi anemia (FA). Also called: Fanconi's anemia. Identifiers: Orphanet 84, MedGen C0015625, MeSH D005199, MONDO:0019391.

Submission:

Labcorp Genetics (formerly Invitae), Labcorp
Classification: Pathogenic for Fanconi anemia. Last evaluated: 2022-06-14. Review status: criteria provided, single submitter. Criteria: Invitae Variant Classification Sherloc (09022015). Collection method: clinical testing. Allele origin: germline.
Comment: This sequence change creates a premature translational stop signal (p.Gln1057*) in the FANCA gene. It is expected to result in an absent or disrupted protein product. Loss-of-function variants in FANCA are known to be pathogenic (PMID: 19367192). This variant is not present in population databases (gnomAD no frequency). This variant has not been reported in the literature in individuals affected with FANCA-related conditions. ClinVar contains an entry for this variant (Variation ID: 1074650). For these reasons, this variant has been classified as Pathogenic.

Literature cited by the submitters: PubMed 19367192.

NM_000135.4(FANCA):c.3169C>T (p.Gln1057Ter)

Gene: FANCA (FA complementation group A; minus strand). Cytogenetic location: 16q24.3.
Variant type: single nucleotide variant.
Coding change: c.3169C>T on transcript NM_000135.4 (MANE Select); coding-DNA position 3169, C replaced by T.
Protein change: p.Gln1057Ter; replaces glutamine 1057 with a stop codon.
Molecular consequence: nonsense.
Genome position (GRCh38, 1-based): chr16:89,749,800, G>A on the plus strand (C>T on the coding strand, the complement: FANCA is on the minus strand). VCF-style: chr16-89749800-G-A. GRCh37 (hg19) VCF-style: chr16-89816208-G-A.
Other names: c.3169C>T, p.Gln1057Ter (NM_001286167.3); short protein forms Q1057*.
Identifiers: ClinVar variation 1074650 (VCV001074650.7), dbSNP rs373545111, ClinGen allele CA397486556.